The following is an entry in ClinVar:

ClinVar aggregate classification (germline): Uncertain significance (1 of 4 stars; one submission).

Submission:

Labcorp Genetics (formerly Invitae), Labcorp
Classification: Uncertain significance. Last evaluated: 2024-04-05. Review status: criteria provided, single submitter. Criteria: Invitae Variant Classification Sherloc (09022015). Collection method: clinical testing. Allele origin: germline.
Comment: This sequence change replaces alanine, which is neutral and non-polar, with proline, which is neutral and non-polar, at codon 1457 of the LTBP2 protein (p.Ala1457Pro). This variant also falls at the last nucleotide of exon 29, which is part of the consensus splice site for this exon. This variant is not present in population databases (gnomAD no frequency). This variant has not been reported in the literature in individuals affected with LTBP2-related conditions. ClinVar contains an entry for this variant (Variation ID: 1992540). An algorithm developed to predict the effect of missense changes on protein structure and function (PolyPhen-2) suggests that this variant is likely to be disruptive. Variants that disrupt the consensus splice site are a relatively common cause of aberrant splicing (PMID: 17576681, 9536098). Algorithms developed to predict the effect of sequence changes on RNA splicing suggest that this variant may disrupt the consensus splice site. In summary, the available evidence is currently insufficient to determine the role of this variant in disease. Therefore, it has been classified as a Variant of Uncertain Significance.

Literature cited by the submitters: PubMed 17576681; PubMed 9536098.

NM_000428.3(LTBP2):c.4369G>C (p.Ala1457Pro)

Gene: LTBP2 (latent transforming growth factor beta binding protein 2; minus strand). Cytogenetic location: 14q24.3.
Variant type: single nucleotide variant.
Coding change: c.4369G>C on transcript NM_000428.3 (MANE Select); coding-DNA position 4369, G replaced by C.
Protein change: p.Ala1457Pro; replaces alanine 1457 with proline.
Molecular consequence: missense variant.
Genome position (GRCh38, 1-based): chr14:74,504,983, C>G on the plus strand (G>C on the coding strand, the complement: LTBP2 is on the minus strand). VCF-style: chr14-74504983-C-G. GRCh37 (hg19) VCF-style: chr14-74971686-C-G.
Other names: short protein forms A1457P.
Identifiers: ClinVar variation 1992540 (VCV001992540.4), dbSNP rs2506131853, ClinGen allele CA390385785.